The following is an entry in ClinVar:

ClinVar aggregate classification (germline): Likely benign. Review status: criteria provided, multiple submitters, no conflicts (2 of 4 stars). 3 submissions from 3 submitters: Likely benign (2). 1 of the submissions does not count toward it. Last evaluated 2024-01-15.

Conditions:
Nephronophthisis. Also called: Juvenile Nephronophthisis. Identifiers: Orphanet 655, MedGen C0687120, MONDO:0019005, HP:0000090.
Joubert syndrome. Also called: Familial aplasia of the vermis; JOUBERT-BOLTSHAUSER SYNDROME. Identifiers: Orphanet 475, MedGen C5979921, MONDO:0018772.
Meckel-Gruber syndrome. Also called: Dysencephalia splachnocystica; DYSENCEPHALIA SPLANCHNOCYSTICA; GRUBER SYNDROME. Identifiers: Orphanet 564, MedGen C0265215, MONDO:0018921.
CEP290-related disorder. Also called: CEP290-related condition; CEP290-related disorders. Identifiers: MedGen CN239314.

Allele frequency attached by ClinVar (database versions not stated): TOPMed below 0.00001; ESP Exome Variant Server 0.00009.
gnomAD v4.1: 28 of 1,548,148 alleles (0.0018%); highest among the groups gnomAD compares: Non-Finnish European, 0.0023%; no homozygotes.

Submissions (3):

Labcorp Genetics (formerly Invitae), Labcorp
Classification: Likely benign for Joubert syndrome; Meckel-Gruber syndrome; Nephronophthisis. Last evaluated: 2024-01-15. Review status: criteria provided, single submitter. Criteria: Invitae Variant Classification Sherloc (09022015). Collection method: clinical testing. Allele origin: germline.

Blueprint Genetics
Classification: Likely benign. Last evaluated: 2020-11-27. Review status: criteria provided, single submitter. Criteria: ACMG Guidelines, 2015. Collection method: clinical testing. Allele origin: germline.

PreventionGenetics, part of Exact Sciences
Classification: Likely benign for CEP290-related condition. Last evaluated: 2021-11-03. Review status: no assertion criteria provided. Collection method: clinical testing. Allele origin: germline. Not counted in ClinVar's aggregate classification.
Comment: This variant is classified as likely benign based on ACMG/AMP sequence variant interpretation guidelines (Richards et al. 2015 PMID: 25741868, with internal and published modifications).

NM_025114.4(CEP290):c.1998T>C (p.Asp666=)

Gene: CEP290 (centrosomal protein 290; minus strand). Cytogenetic location: 12q21.32.
Variant type: single nucleotide variant.
Coding change: c.1998T>C on transcript NM_025114.4 (MANE Select); coding-DNA position 1998, T replaced by C.
Protein change: p.Asp666=; no amino-acid change (aspartic acid 666 retained).
Molecular consequence: synonymous variant.
Genome position (GRCh38, 1-based): chr12:88,114,474, A>G on the plus strand (T>C on the coding strand, the complement: CEP290 is on the minus strand). VCF-style: chr12-88114474-A-G. GRCh37 (hg19) VCF-style: chr12-88508251-A-G.
Other names: c.1998T>C (NM_025114.3).
Identifiers: ClinVar variation 2177525 (VCV002177525.6), dbSNP rs376320828, ClinGen allele CA6712423.